The following is an entry in ClinVar:

NM_004463.3(FGD1):c.2483T>C (p.Leu828Pro)

Genes: FGD1 (FYVE, RhoGEF and PH domain containing 1; minus strand), TSR2 (TSR2 ribosome maturation factor; plus strand). Cytogenetic location: Xp11.22.
Variant type: single nucleotide variant.
Coding change: c.2483T>C on transcript NM_004463.3 (MANE Select); coding-DNA position 2483, T replaced by C.
Protein change: p.Leu828Pro; replaces leucine 828 with proline.
Molecular consequence: missense variant. On other transcripts: 3 prime UTR variant (5).
Genome position (GRCh38, 1-based): chrX:54,447,408, A>G on the plus strand (T>C on the coding strand, the complement: FGD1 is on the minus strand). VCF-style: chrX-54447408-A-G. GRCh37 (hg19) VCF-style: chrX-54473841-A-G.
Other names: c.*2858A>G (NM_001346789.2, NM_001346790.2, NM_001346791.2 and 2 more transcripts); short protein forms L828P.
Identifiers: ClinVar variation 3907993 (VCV003907993.1).

ClinVar aggregate classification (germline): Uncertain significance (1 of 4 stars; one submission).

Submission:

GeneDx
Classification: Uncertain significance. Last evaluated: 2024-12-24. Review status: criteria provided, single submitter. Criteria: GeneDx Variant Classification Process June 2021. Collection method: clinical testing. Allele origin: germline. Affected: yes.
Comment: Not observed at significant frequency in large population cohorts (gnomAD); In silico analysis supports that this missense variant has a deleterious effect on protein structure/function; Has not been previously published as pathogenic or benign to our knowledge